The following is an entry in ClinVar:

ClinVar aggregate classification (germline): Benign (1 of 4 stars; one submission).

Allele frequency attached by ClinVar (database versions not stated): gnomAD exomes 0.76131; 1000 Genomes Project 0.76518; 1000 Genomes Project 30x 0.76827; TOPMed 0.80011.
gnomAD v4.1: 525,576 of 682,950 alleles (77%); highest among the groups gnomAD compares: African/African-American, 89%; 203,131 homozygotes.

Submission:

GeneDx
Classification: Benign. Last evaluated: 2018-06-14. Review status: criteria provided, single submitter. Criteria: GeneDx Variant Classification (06012015). Collection method: clinical testing. Allele origin: germline. Affected: yes.
Comment: This variant is considered likely benign or benign based on one or more of the following criteria: it is a conservative change, it occurs at a poorly conserved position in the protein, it is predicted to be benign by multiple in silico algorithms, and/or has population frequency not consistent with disease.

NM_014845.6(FIG4):c.290-147C>T

Gene: FIG4 (FIG4 phosphoinositide 5-phosphatase; plus strand). Cytogenetic location: 6q21.
Variant type: single nucleotide variant.
Coding change: c.290-147C>T on transcript NM_014845.6 (MANE Select); 147 bases into the intron before coding-DNA position 290, C replaced by T.
Molecular consequence: intron variant.
Genome position (GRCh38, 1-based): chr6:109,726,962, C>T. VCF-style: chr6-109726962-C-T. GRCh37 (hg19) VCF-style: chr6-110048165-C-T.
Identifiers: ClinVar variation 673440 (VCV000673440.1), dbSNP rs6921615, ClinGen allele CA145127016.